The following is an entry in ClinVar:

NM_001128840.3(CACNA1D):c.2542A>C (p.Ile848Leu)

Gene: CACNA1D (calcium voltage-gated channel subunit alpha1 D; plus strand). Cytogenetic location: 3p21.1.
Variant type: single nucleotide variant.
Coding change: c.2542A>C on transcript NM_001128840.3 (MANE Select); coding-DNA position 2542, A replaced by C.
Protein change: p.Ile848Leu; replaces isoleucine 848 with leucine.
Molecular consequence: missense variant.
Genome position (GRCh38, 1-based): chr3:53,732,883, A>C. VCF-style: chr3-53732883-A-C. GRCh37 (hg19) VCF-style: chr3-53766910-A-C.
Other names: c.2602A>C (NM_000720.2); c.2602A>C, p.Ile868Leu (NM_000720.4); c.2542A>C, p.Ile848Leu (NM_001128839.3); short protein forms I848L, I868L.
Identifiers: ClinVar variation 1517009 (VCV001517009.9), dbSNP rs2108771931, ClinGen allele CA353241540.

ClinVar aggregate classification (germline): Uncertain significance. Review status: criteria provided, multiple submitters, no conflicts (2 of 4 stars). 2 submissions from 2 submitters: Uncertain significance (2). Last evaluated 2024-11-18.

Conditions:
Inborn genetic diseases. Identifiers: MedGen C0950123, MeSH D030342.

Allele frequency attached by ClinVar (database versions not stated): gnomAD exomes 0.00002.
gnomAD v4.1: 23 of 1,614,030 alleles (0.0014%); highest among the groups gnomAD compares: Non-Finnish European, 0.0019%; no homozygotes.

Submissions (2):

Labcorp Genetics (formerly Invitae), Labcorp
Classification: Uncertain significance. Last evaluated: 2024-11-18. Review status: criteria provided, single submitter. Criteria: Invitae Variant Classification Sherloc (09022015). Collection method: clinical testing. Allele origin: germline.
Comment: This sequence change replaces isoleucine, which is neutral and non-polar, with leucine, which is neutral and non-polar, at codon 868 of the CACNA1D protein (p.Ile868Leu). This variant is not present in population databases (gnomAD no frequency). This variant has not been reported in the literature in individuals affected with CACNA1D-related conditions. ClinVar contains an entry for this variant (Variation ID: 1517009). Invitae Evidence Modeling of protein sequence and biophysical properties (such as structural, functional, and spatial information, amino acid conservation, physicochemical variation, residue mobility, and thermodynamic stability) indicates that this missense variant is not expected to disrupt CACNA1D protein function with a negative predictive value of 80%. In summary, the available evidence is currently insufficient to determine the role of this variant in disease. Therefore, it has been classified as a Variant of Uncertain Significance.

Ambry Genetics
Classification: Uncertain significance for Inborn genetic diseases. Last evaluated: 2024-01-22. Review status: criteria provided, single submitter. Criteria: Ambry Variant Classification Scheme 2023. Collection method: clinical testing. Allele origin: germline.